The following is an entry in ClinVar:

ClinVar aggregate classification (germline): Pathogenic (1 of 4 stars; one submission).

Conditions:
Primary ciliary dyskinesia. Also called: Ciliary dyskinesia. Identifiers: Orphanet 244, MedGen C0008780, MONDO:0016575, HP:0012265.

Submission:

Labcorp Genetics (formerly Invitae), Labcorp
Classification: Pathogenic for Primary ciliary dyskinesia. Last evaluated: 2024-06-25. Review status: criteria provided, single submitter. Criteria: Invitae Variant Classification Sherloc (09022015). Collection method: clinical testing. Allele origin: germline.
Comment: This sequence change creates a premature translational stop signal (p.Trp2542*) in the DNAH5 gene. It is expected to result in an absent or disrupted protein product. Loss-of-function variants in DNAH5 are known to be pathogenic (PMID: 11788826, 16627867). This variant is not present in population databases (gnomAD no frequency). This variant has not been reported in the literature in individuals affected with DNAH5-related conditions. ClinVar contains an entry for this variant (Variation ID: 2030564). Algorithms developed to predict the effect of sequence changes on RNA splicing suggest that this variant may disrupt the consensus splice site. For these reasons, this variant has been classified as Pathogenic.

Literature cited by the submitters: PubMed 11788826; PubMed 16627867.

NM_001369.3(DNAH5):c.7625G>A (p.Trp2542Ter)

Gene: DNAH5 (dynein axonemal heavy chain 5; minus strand). Cytogenetic location: 5p15.2.
Variant type: single nucleotide variant.
Coding change: c.7625G>A on transcript NM_001369.3 (MANE Select); coding-DNA position 7625, G replaced by A.
Protein change: p.Trp2542Ter; replaces tryptophan 2542 with a stop codon.
Molecular consequence: nonsense.
Genome position (GRCh38, 1-based): chr5:13,809,171, C>T on the plus strand (G>A on the coding strand, the complement: DNAH5 is on the minus strand). VCF-style: chr5-13809171-C-T. GRCh37 (hg19) VCF-style: chr5-13809280-C-T.
Other names: short protein forms W2542*.
Identifiers: ClinVar variation 2030564 (VCV002030564.5), dbSNP rs2546801418, ClinGen allele CA359231032.
Genomic context (GRCh38, chr5:13,809,171, plus strand): 5'-ATAGAACCATACTCTGGGGTGGTATCAGACGGATACAGGTATTCCTGGGTACGCGTGTTC[C>T]AGTGCGTCCATGTACCTAAGGTGAGCAGAGGACATTTCCATCTCCATATTAATAATTCAA-3'